The following is an entry in ClinVar:

NM_000891.3(KCNJ2):c.1116T>G (p.Asn372Lys)

Gene: KCNJ2 (potassium inwardly rectifying channel subfamily J member 2; plus strand). Cytogenetic location: 17q24.3.
Variant type: single nucleotide variant.
Coding change: c.1116T>G on transcript NM_000891.3 (MANE Select); coding-DNA position 1116, T replaced by G.
Protein change: p.Asn372Lys; replaces asparagine 372 with lysine.
Molecular consequence: missense variant.
Genome position (GRCh38, 1-based): chr17:70,176,155, T>G. VCF-style: chr17-70176155-T-G. GRCh37 (hg19) VCF-style: chr17-68172296-T-G.
Other names: short protein forms N372K.
Identifiers: ClinVar variation 1497059 (VCV001497059.8), dbSNP rs2144377969, ClinGen allele CA400863573.

ClinVar aggregate classification (germline): Uncertain significance (1 of 4 stars; one submission).

Conditions:
Andersen Tawil syndrome (LQT7). Also called: Potassium-sensitive periodic paralysis, ventricular ectopy, and dysmorphic features; ANDERSEN CARDIODYSRHYTHMIC PERIODIC PARALYSIS; PERIODIC PARALYSIS, POTASSIUM-SENSITIVE CARDIODYSRHYTHMIC TYPE; Andersen Syndrome; LONG QT SYNDROME 7. Identifiers: Orphanet 37553, MedGen C1563715, MONDO:0008222, OMIM 170390.
Short QT syndrome type 3. Identifiers: Orphanet 51083, MedGen C1865018, MONDO:0012314, OMIM 609622.

Allele frequency attached by ClinVar (database versions not stated): gnomAD exomes below 0.00001.

Submission:

Labcorp Genetics (formerly Invitae), Labcorp
Classification: Uncertain significance for Short QT syndrome type 3; Andersen Tawil syndrome. Last evaluated: 2021-05-13. Review status: criteria provided, single submitter. Criteria: Invitae Variant Classification Sherloc (09022015). Collection method: clinical testing. Allele origin: germline.
Comment: This variant has not been reported in the literature in individuals with KCNJ2-related conditions. This variant is not present in population databases (ExAC no frequency). This sequence change replaces asparagine with lysine at codon 372 of the KCNJ2 protein (p.Asn372Lys). The asparagine residue is highly conserved and there is a moderate physicochemical difference between asparagine and lysine. In summary, the available evidence is currently insufficient to determine the role of this variant in disease. Therefore, it has been classified as a Variant of Uncertain Significance. Algorithms developed to predict the effect of sequence changes on RNA splicing suggest that this variant may create or strengthen a splice site, but this prediction has not been confirmed by published transcriptional studies. Algorithms developed to predict the effect of missense changes on protein structure and function are either unavailable or do not agree on the potential impact of this missense change (SIFT: "Tolerated"; PolyPhen-2: "Possibly Damaging"; Align-GVGD: "Class C0").